The following is an entry in ClinVar:

ClinVar aggregate classification (germline): Likely pathogenic (1 of 4 stars; one submission).

Conditions:
Imerslund-Grasbeck syndrome. Also called: Imerslund-Gräsbeck syndrome; Megaloblastic anemia due to inborn errors of metabolism; ENTEROCYTE COBALAMIN MALABSORPTION; ENTEROCYTE INTRINSIC FACTOR RECEPTOR, DEFECT OF; PERNICIOUS ANEMIA, JUVENILE, DUE TO SELECTIVE INTESTINAL MALABSORPTION OF VITAMIN B12, WITH PROTEINURIA. Identifiers: Orphanet 35858, MedGen C4551825, MONDO:0009853.

Submission:

Labcorp Genetics (formerly Invitae), Labcorp
Classification: Likely pathogenic for Imerslund-Grasbeck syndrome. Last evaluated: 2023-06-29. Review status: criteria provided, single submitter. Criteria: Invitae Variant Classification Sherloc (09022015). Collection method: clinical testing. Allele origin: germline.
Comment: This sequence change affects an acceptor splice site in intron 1 of the AMN gene. It is expected to disrupt RNA splicing. Variants that disrupt the donor or acceptor splice site typically lead to a loss of protein function (PMID: 16199547), and loss-of-function variants in AMN are known to be pathogenic (PMID: 12590260, 22929189). This variant is not present in population databases (gnomAD no frequency). This variant has not been reported in the literature in individuals affected with AMN-related conditions. Algorithms developed to predict the effect of sequence changes on RNA splicing suggest that this variant may disrupt the consensus splice site. In summary, the currently available evidence indicates that the variant is pathogenic, but additional data are needed to prove that conclusively. Therefore, this variant has been classified as Likely Pathogenic.

Literature cited by the submitters: PubMed 16199547; PubMed 12590260; PubMed 22929189.

NM_030943.4(AMN):c.44-2A>T

Gene: AMN (amnion associated transmembrane protein; plus strand). Cytogenetic location: 14q32.32.
Variant type: single nucleotide variant.
Coding change: c.44-2A>T on transcript NM_030943.4 (MANE Select); the canonical splice acceptor site of the intron before coding-DNA position 44, A replaced by T.
Molecular consequence: splice acceptor variant.
Genome position (GRCh38, 1-based): chr14:102,923,709, A>T. VCF-style: chr14-102923709-A-T. GRCh37 (hg19) VCF-style: chr14-103390046-A-T.
Identifiers: ClinVar variation 2733102 (VCV002733102.3), dbSNP rs761051062, ClinGen allele CA391079248.